The following is an entry in ClinVar:

ClinVar aggregate classification (germline): Benign/Likely benign. Review status: criteria provided, multiple submitters, no conflicts (2 of 4 stars). 9 submissions from 9 submitters: Benign (2); Likely benign (6). 1 of the submissions does not count toward it. Last evaluated 2026-08-01.

Conditions:
PLEC-related disorder. Also called: PLEC-related condition; PLEC-related disorders.
Epidermolysis bullosa simplex 5B, with muscular dystrophy (EBS5B). Also called: Epidermolysis bullosa simplex with muscular dystrophy; EPIDERMOLYSIS BULLOSA SIMPLEX AND LIMB-GIRDLE MUSCULAR DYSTROPHY. Identifiers: Orphanet 257, MedGen C2931072, MONDO:0009181, OMIM 226670.
Epidermolysis bullosa simplex with nail dystrophy (EBS5D). Identifiers: MedGen C4225309, MONDO:0014661, OMIM 616487.
Autosomal recessive limb-girdle muscular dystrophy type 2Q (LGMDR17). Also called: MUSCULAR DYSTROPHY, LIMB-GIRDLE, AUTOSOMAL RECESSIVE 17. Identifiers: Orphanet 254361, MedGen C3150989, MONDO:0013390, OMIM 613723.
Epidermolysis bullosa simplex 5C, with pyloric atresia (EBS5C). Also called: PLEC-Related Epidermolysis Bullosa with Pyloric Atresia; PLEC1-Related Epidermolysis Bullosa with Pyloric Atresia; Epidermolysis bullosa simplex with pyloric atresia. Identifiers: Orphanet 158684, MedGen C2677349, MONDO:0012807, OMIM 612138.
Epidermolysis bullosa simplex, Ogna type (EBS5A). Also called: Pidermolysis bullosa simplex 5A, Ogna type; EPIDERMOLYSIS BULLOSA SIMPLEX 5A, OGNA TYPE. Identifiers: Orphanet 79401, MedGen C0432317, MONDO:0007555, OMIM 131950.

Allele frequency attached by ClinVar (database versions not stated): ESP Exome Variant Server 0.00091; TOPMed 0.00235; 1000 Genomes Project 0.00300; 1000 Genomes Project 30x 0.00359.
gnomAD v4.1: 1,257 of 1,586,820 alleles (0.079%); highest among the groups gnomAD compares: African/African-American, 0.44%; 3 homozygotes.

Submissions (9):

CeGaT Center for Human Genetics Tuebingen
Classification: Likely benign. Last evaluated: 2026-08-01. Review status: criteria provided, single submitter. Criteria: CeGaT Center For Human Genetics Tuebingen Variant Classification Criteria Version 2. Collection method: clinical testing. Allele origin: germline. Affected: yes. Observed: 4 variant alleles.
Comment: PLEC: BS2

Labcorp Genetics (formerly Invitae), Labcorp
Classification: Likely benign for Autosomal recessive limb-girdle muscular dystrophy type 2Q; Epidermolysis bullosa simplex, Ogna type; Epidermolysis bullosa simplex with nail dystrophy; Epidermolysis bullosa simplex 5C, with pyloric atresia; Epidermolysis bullosa simplex 5B, with muscular dystrophy. Last evaluated: 2026-01-27. Review status: criteria provided, single submitter. Criteria: Invitae Variant Classification Sherloc (09022015). Collection method: clinical testing. Allele origin: germline.

Mayo Clinic Laboratories, Mayo Clinic
Classification: Likely benign. Last evaluated: 2025-10-30. Review status: criteria provided, single submitter. Criteria: ACMG Guidelines, 2015. Collection method: clinical testing. Allele origin: germline. Observed: 4 variant alleles.
Comment: BS1

Blueprint Genetics
Classification: Likely benign. Last evaluated: 2024-11-06. Review status: criteria provided, single submitter. Criteria: ACMG Guidelines, 2015. Collection method: clinical testing. Allele origin: germline.

Athena Diagnostics
Classification: Benign. Last evaluated: 2023-10-24. Review status: criteria provided, single submitter. Criteria: Athena Diagnostics Criteria. Collection method: clinical testing. Allele origin: unknown.

GeneDx
Classification: Likely benign. Last evaluated: 2018-01-30. Review status: criteria provided, single submitter. Criteria: GeneDx Variant Classification (06012015). Collection method: clinical testing. Allele origin: germline. Affected: yes.
Comment: This variant is considered likely benign or benign based on one or more of the following criteria: it is a conservative change, it occurs at a poorly conserved position in the protein, it is predicted to be benign by multiple in silico algorithms, and/or has population frequency not consistent with disease.

Eurofins Ntd Llc (ga)
Classification: Benign. Last evaluated: 2015-08-17. Review status: criteria provided, single submitter. Criteria: EGL Classification Definitions 2015. Collection method: clinical testing. Allele origin: germline. Observed: 1 variant allele, 1 heterozygote.

Breakthrough Genomics
Classification: Likely benign. Review status: criteria provided, single submitter. Criteria: ACMG Guidelines, 2015. Collection method: not provided. Allele origin: germline. Inheritance: Autosomal recessive inheritance. Affected: yes.

PreventionGenetics, part of Exact Sciences
Classification: Likely benign for PLEC-related condition. Last evaluated: 2021-08-19. Review status: no assertion criteria provided. Collection method: clinical testing. Allele origin: germline. Not counted in ClinVar's aggregate classification.
Comment: This variant is classified as likely benign based on ACMG/AMP sequence variant interpretation guidelines (Richards et al. 2015 PMID: 25741868, with internal and published modifications).

Literature cited by the submitters: PubMed 36011280 (cited by Mayo Clinic Laboratories, Mayo Clinic); PubMed 30161220 (cited by Athena Diagnostics).

NM_201384.3(PLEC):c.5922G>C (p.Gln1974His)

Gene: PLEC (plectin; minus strand). Cytogenetic location: 8q24.3.
Variant type: single nucleotide variant.
Coding change: c.5922G>C on transcript NM_201384.3 (MANE Select); coding-DNA position 5922, G replaced by C.
Protein change: p.Gln1974His; replaces glutamine 1974 with histidine.
Molecular consequence: missense variant.
Genome position (GRCh38, 1-based): chr8:143,924,007, C>G on the plus strand (G>C on the coding strand, the complement: PLEC is on the minus strand). VCF-style: chr8-143924007-C-G. GRCh37 (hg19) VCF-style: chr8-144998175-C-G.
Other names: p.Gln1960His; c.6003G>C, p.Gln2001His (NM_000445.5); c.5880G>C, p.Gln1960His (NM_201378.4); c.5856G>C, p.Gln1952His (NM_201379.3); c.6333G>C, p.Gln2111His (NM_201380.4); c.5826G>C, p.Gln1942His (NM_201381.3); c.5922G>C, p.Gln1974His (NM_201382.4); c.5934G>C, p.Gln1978His (NM_201383.3); short protein forms Q1942H, Q1952H, Q1960H, Q1974H, Q1978H, Q2001H, Q2111H.
Identifiers: ClinVar variation 196761 (VCV000196761.30), dbSNP rs202190540, ClinGen allele CA202573.